The following is an entry in ClinVar:

NM_030962.4(SBF2):c.568G>A (p.Asp190Asn)

Gene: SBF2 (SET binding factor 2; minus strand). Cytogenetic location: 11p15.4.
Variant type: single nucleotide variant.
Coding change: c.568G>A on transcript NM_030962.4 (MANE Select); coding-DNA position 568, G replaced by A.
Protein change: p.Asp190Asn; replaces aspartic acid 190 with asparagine.
Molecular consequence: missense variant.
Genome position (GRCh38, 1-based): chr11:10,028,503, C>T on the plus strand (G>A on the coding strand, the complement: SBF2 is on the minus strand). VCF-style: chr11-10028503-C-T. GRCh37 (hg19) VCF-style: chr11-10050050-C-T.
Other names: c.568G>A, p.Asp190Asn (NM_001386339.1, NM_001386342.1); short protein forms D190N.
Identifiers: ClinVar variation 578390 (VCV000578390.9), dbSNP rs201738577, ClinGen allele CA5882077.

ClinVar aggregate classification (germline): Uncertain significance (1 of 4 stars; one submission).

Conditions:
Charcot-Marie-Tooth disease type 4. Also called: Charcot-Marie-Tooth, Type 4; Charcot-Marie-Tooth disease, type IV. Identifiers: Orphanet 64749, MedGen C4082197, MONDO:0018995.

Allele frequency attached by ClinVar (database versions not stated): gnomAD below 0.00001; gnomAD exomes 0.00001; ExAC 0.00002.
gnomAD v4.1: 10 of 1,613,728 alleles (0.00062%); highest among the groups gnomAD compares: South Asian, 0.011%; no homozygotes.

Submission:

Labcorp Genetics (formerly Invitae), Labcorp
Classification: Uncertain significance for Charcot-Marie-Tooth disease type 4. Last evaluated: 2018-02-08. Review status: criteria provided, single submitter. Criteria: Invitae Variant Classification Sherloc (09022015). Collection method: clinical testing. Allele origin: germline.
Comment: In summary, the available evidence is currently insufficient to determine the role of this variant in disease. Therefore, it has been classified as a Variant of Uncertain Significance. Algorithms developed to predict the effect of missense changes on protein structure and function (SIFT, PolyPhen-2, Align-GVGD) all suggest that this variant is likely to be tolerated, but these predictions have not been confirmed by published functional studies and their clinical significance is uncertain. This variant has not been reported in the literature in individuals with SBF2-related disease. This variant is present in population databases (rs201738577, ExAC 0.01%). This sequence change replaces aspartic acid with asparagine at codon 190 of the SBF2 protein (p.Asp190Asn). The aspartic acid residue is moderately conserved and there is a small physicochemical difference between aspartic acid and asparagine.